The following is an entry in ClinVar:

ClinVar aggregate classification (germline): Uncertain significance (1 of 4 stars; one submission).

Conditions:
Acromesomelic dysplasia 3 (AMD3). Also called: Acromesomelic dysplasia, Demirhan type; CHONDRODYSPLASIA, ACROMESOMELIC, WITH OR WITHOUT GENITAL ANOMALIES. Identifiers: MedGen C4225404, MONDO:0012274, OMIM 609441.
Type A2 brachydactyly (BDA2). Also called: BRACHYMESOPHALANGY II; MOHR-WRIEDT TYPE BRACHYDACTYLY; Brachymesophalangy type 2. Identifiers: Orphanet 93396, MedGen C1832702, MONDO:0007216, OMIM 112600, HP:0009372.

Submission:

Labcorp Genetics (formerly Invitae), Labcorp
Classification: Uncertain significance for Type A2 brachydactyly; Acromesomelic dysplasia 3. Last evaluated: 2025-10-13. Review status: criteria provided, single submitter. Criteria: Invitae Variant Classification Sherloc (09022015). Collection method: clinical testing. Allele origin: germline.
Comment: This sequence change replaces arginine, which is basic and polar, with glycine, which is neutral and non-polar, at codon 82 of the BMPR1B protein (p.Arg82Gly). This variant is not present in population databases (gnomAD no frequency). This variant has not been reported in the literature in individuals affected with BMPR1B-related conditions. An algorithm developed to predict the effect of missense changes on protein structure and function (PolyPhen-2) suggests that this variant is likely to be tolerated. Algorithms developed to predict the effect of sequence changes on RNA splicing suggest that this variant may disrupt the consensus splice site. In summary, the available evidence is currently insufficient to determine the role of this variant in disease. Therefore, it has been classified as a Variant of Uncertain Significance.

NM_001203.3(BMPR1B):c.244C>G (p.Arg82Gly)

Gene: BMPR1B (bone morphogenetic protein receptor type 1B; plus strand). Cytogenetic location: 4q22.3.
Variant type: single nucleotide variant.
Coding change: c.244C>G on transcript NM_001203.3 (MANE Select); coding-DNA position 244, C replaced by G.
Protein change: p.Arg82Gly; replaces arginine 82 with glycine.
Molecular consequence: missense variant.
Genome position (GRCh38, 1-based): chr4:95,114,820, C>G. VCF-style: chr4-95114820-C-G. GRCh37 (hg19) VCF-style: chr4-96035971-C-G.
Other names: c.244C>G, p.Arg82Gly (NM_001256792.2, NM_001256794.1); c.334C>G, p.Arg112Gly (NM_001256793.2); short protein forms R82G, R112G.
Identifiers: ClinVar variation 4792252 (VCV004792252.1).